The following is an entry in ClinVar:

ClinVar aggregate classification (germline): Uncertain significance (1 of 4 stars; one submission).

Conditions:
Intellectual disability. Also called: Intellectual functioning disability; intellectual disabilities; Intellectual developmental disorder. Identifiers: MedGen C3714756, MeSH D008607, MONDO:0001071, HP:0001249.

gnomAD v4.1: 13 of 1,613,612 alleles (0.00081%); highest among the groups gnomAD compares: South Asian, 0.013%; no homozygotes.

Submission:

Labcorp Genetics (formerly Invitae), Labcorp
Classification: Uncertain significance for Intellectual disability. Last evaluated: 2024-06-28. Review status: criteria provided, single submitter. Criteria: Invitae Variant Classification Sherloc (09022015). Collection method: clinical testing. Allele origin: germline.
Comment: This sequence change affects codon 277 of the GABRB2 mRNA. It is a 'silent' change, meaning that it does not change the encoded amino acid sequence of the GABRB2 protein. It affects a nucleotide within the consensus splice site. This variant is present in population databases (rs763177387, gnomAD 0.01%). This variant has not been reported in the literature in individuals affected with GABRB2-related conditions. Algorithms developed to predict the effect of sequence changes on RNA splicing suggest that this variant may disrupt the consensus splice site. In summary, the available evidence is currently insufficient to determine the role of this variant in disease. Therefore, it has been classified as a Variant of Uncertain Significance.

NM_001371727.1(GABRB2):c.831A>G (p.Leu277=)

Gene: GABRB2 (gamma-aminobutyric acid type A receptor subunit beta2; minus strand). Cytogenetic location: 5q34.
Variant type: single nucleotide variant.
Coding change: c.831A>G on transcript NM_001371727.1 (MANE Select); coding-DNA position 831, A replaced by G.
Protein change: p.Leu277=; no amino-acid change (leucine 277 retained).
Molecular consequence: synonymous variant.
Genome position (GRCh38, 1-based): chr5:161,334,753, T>C on the plus strand (A>G on the coding strand, the complement: GABRB2 is on the minus strand). VCF-style: chr5-161334753-T-C. GRCh37 (hg19) VCF-style: chr5-160761760-T-C.
Other names: c.831A>G, p.Leu277= (NM_000813.3, NM_021911.3).
Identifiers: ClinVar variation 3658079 (VCV003658079.2).